The following is an entry in ClinVar:

ClinVar aggregate classification (germline): Pathogenic (1 of 4 stars; one submission).

Conditions:
Familial adenomatous polyposis 1 (FAP1). Also called: POLYPOSIS, ADENOMATOUS INTESTINAL; FAMILIAL ADENOMATOUS POLYPOSIS 1, ATTENUATED. Identifiers: MedGen C2713442, MONDO:0021056, OMIM 175100. Disease mechanism: loss of function.

Submission:

Labcorp Genetics (formerly Invitae), Labcorp
Classification: Pathogenic for Familial adenomatous polyposis 1. Last evaluated: 2021-05-28. Review status: criteria provided, single submitter. Criteria: Invitae Variant Classification Sherloc (09022015). Collection method: clinical testing. Allele origin: germline.
Comment: A different truncation (p.Tyr2645Lysfs*14) that lies downstream of this variant has been determined to be pathogenic (PMID: 9824584, 1316610, 27081525, 8381579, 22135120, Invitae). This suggests that deletion of this region of the APC protein is causative of disease. For these reasons, this variant has been classified as Pathogenic. This variant is expected to disrupt the EB1 and HDLG binding sites, which mediate interactions with the cytoskeleton (PMID: 15311282, 17293347). While functional studies have not been performed to directly test the effect on APC protein function, this suggests that disruption of the C-terminal portion of the protein is functionally important. This variant has not been reported in the literature in individuals with APC-related conditions. This variant is not present in population databases (ExAC no frequency). This sequence change creates a premature translational stop signal (p.Leu1612Argfs*38) in the APC gene. While this is not anticipated to result in nonsense mediated decay, it is expected to disrupt the last 1232 amino acid(s) of the APC protein.

Literature cited by the submitters: PubMed 9824584; PubMed 1316610; PubMed 27081525; PubMed 8381579; PubMed 22135120; PubMed 15311282; PubMed 17293347.

NM_000038.6(APC):c.4835del (p.Leu1612fs)

Gene: APC (APC regulator of Wnt signaling pathway; plus strand). Cytogenetic location: 5q22.2.
Variant type: Deletion.
Coding change: c.4835del on transcript NM_000038.6 (MANE Select); coding-DNA position 4835, one base deleted (T; older notation c.4835delT).
Protein change: p.Leu1612fs; shifts the reading frame from leucine 1612.
Molecular consequence: frameshift variant.
Genome position (GRCh38, 1-based): chr5:112,840,429, T deleted. VCF-style (leftmost placement, unchanged base first): chr5-112840428-CT-C. GRCh37 (hg19) VCF-style: chr5-112176125-CT-C.
Other names: c.4835del, p.Leu1612fs (NM_001127510.3, NM_001354895.2); c.4781del, p.Leu1594fs (NM_001127511.3); c.4889del, p.Leu1630fs (NM_001354896.2); c.4865del, p.Leu1622fs (NM_001354897.2); c.4760del, p.Leu1587fs (NM_001354898.2); c.4751del, p.Leu1584fs (NM_001354899.2); c.4712del, p.Leu1571fs (NM_001354900.2); c.4658del, p.Leu1553fs (NM_001354901.2); and 5 more; short protein forms L1329fs, L1571fs, L1612fs, L1622fs, L1553fs, L1594fs, L1630fs, L1452fs.
Identifiers: ClinVar variation 1367412 (VCV001367412.8), dbSNP rs2149925076, ClinGen allele CA2573138711.